The following is an entry in ClinVar:

NM_001378964.1(CDON):c.2056G>T (p.Ala686Ser)

Gene: CDON (cell adhesion associated, oncogene regulated; minus strand). Cytogenetic location: 11q24.2.
Variant type: single nucleotide variant.
Coding change: c.2056G>T on transcript NM_001378964.1 (MANE Select); coding-DNA position 2056, G replaced by T.
Protein change: p.Ala686Ser; replaces alanine 686 with serine.
Molecular consequence: missense variant.
Genome position (GRCh38, 1-based): chr11:126,001,821, C>A on the plus strand (G>T on the coding strand, the complement: CDON is on the minus strand). VCF-style: chr11-126001821-C-A. GRCh37 (hg19) VCF-style: chr11-125871716-C-A.
Other names: c.2056G>T, p.Ala686Ser (NM_001243597.3, NM_016952.6); short protein forms A686S.
Identifiers: ClinVar variation 1305671 (VCV001305671.2), dbSNP rs572486967, ClinGen allele CA6351854.

ClinVar aggregate classification (germline): Uncertain significance (1 of 4 stars; one submission).

gnomAD v4.1: 2 of 1,607,818 alleles (0.00012%); highest among the groups gnomAD compares: Admixed American, 0.0017%; no homozygotes.

Submission:

GeneDx
Classification: Uncertain significance. Last evaluated: 2019-05-12. Review status: criteria provided, single submitter. Criteria: GeneDx Variant Classification Process June 2021. Collection method: clinical testing. Allele origin: germline. Affected: yes.
Comment: Not observed at a significant frequency in large population cohorts (Lek et al., 2016); In silico analysis, which includes protein predictors and evolutionary conservation, supports that this variant does not alter protein structure/function; Has not been previously published as pathogenic or benign to our knowledge